The following is an entry in ClinVar:

ClinVar aggregate classification (germline): Uncertain significance (1 of 4 stars; one submission).

Conditions:
Neuronal ceroid lipofuscinosis. Also called: Neuronal Ceroid Lipofuscinoses. Identifiers: Orphanet 216, Orphanet 79263, MedGen C0027877, MONDO:0016295. Disease mechanism: loss of function.

Allele frequency attached by ClinVar (database versions not stated): ExAC 0.00001.
gnomAD v4.1: 18 of 1,614,066 alleles (0.0011%); highest among the groups gnomAD compares: Non-Finnish European, 0.0014%; no homozygotes.

Submission:

Labcorp Genetics (formerly Invitae), Labcorp
Classification: Uncertain significance for Neuronal ceroid lipofuscinosis. Last evaluated: 2022-10-17. Review status: criteria provided, single submitter. Criteria: Invitae Variant Classification Sherloc (09022015). Collection method: clinical testing. Allele origin: germline.
Comment: This sequence change replaces methionine, which is neutral and non-polar, with leucine, which is neutral and non-polar, at codon 211 of the CLN8 protein (p.Met211Leu). This variant is not present in population databases (gnomAD no frequency). This variant has not been reported in the literature in individuals affected with CLN8-related conditions. Advanced modeling of protein sequence and biophysical properties (such as structural, functional, and spatial information, amino acid conservation, physicochemical variation, residue mobility, and thermodynamic stability) performed at Invitae indicates that this missense variant is not expected to disrupt CLN8 protein function. In summary, the available evidence is currently insufficient to determine the role of this variant in disease. Therefore, it has been classified as a Variant of Uncertain Significance.

NM_018941.4(CLN8):c.631A>T (p.Met211Leu)

Gene: CLN8 (CLN8 transmembrane ER and ERGIC protein; plus strand). Cytogenetic location: 8p23.3.
Variant type: single nucleotide variant.
Coding change: c.631A>T on transcript NM_018941.4 (MANE Select); coding-DNA position 631, A replaced by T.
Protein change: p.Met211Leu; replaces methionine 211 with leucine.
Molecular consequence: missense variant.
Genome position (GRCh38, 1-based): chr8:1,780,337, A>T. VCF-style: chr8-1780337-A-T. GRCh37 (hg19) VCF-style: chr8-1728503-A-T.
Other names: short protein forms M211L.
Identifiers: ClinVar variation 2153567 (VCV002153567.3), dbSNP rs745785480, ClinGen allele CA4599325.